The following is an entry in ClinVar:

NM_000548.5(TSC2):c.3494A>G (p.Lys1165Arg)

Gene: TSC2 (TSC complex subunit 2; plus strand). Cytogenetic location: 16p13.3.
Variant type: single nucleotide variant.
Coding change: c.3494A>G on transcript NM_000548.5 (MANE Select); coding-DNA position 3494, A replaced by G.
Protein change: p.Lys1165Arg; replaces lysine 1165 with arginine.
Molecular consequence: missense variant. On other transcripts: non-coding transcript variant (5).
Genome position (GRCh38, 1-based): chr16:2,080,261, A>G. VCF-style: chr16-2080261-A-G. GRCh37 (hg19) VCF-style: chr16-2130262-A-G.
Other names: c.2762A>G, p.Lys921Arg (NM_001406688.1, NM_001318831.2, NM_001406687.1); c.2150A>G, p.Lys717Arg (NM_001406689.1); c.2021A>G, p.Lys674Arg (NM_001406690.1, NM_001406692.1, NM_001406693.1 and 1 more transcripts); c.2018A>G, p.Lys673Arg (NM_001406691.1, NM_001406695.1, NM_001406696.1 and 1 more transcripts); c.1760A>G, p.Lys587Arg (NM_001406698.1); c.3365A>G, p.Lys1122Arg (NM_021055.3, NM_001363528.2, NM_001370405.1); c.3362A>G, p.Lys1121Arg (NM_001077183.3, NM_001370404.1, NM_001406665.1); c.3494A>G, p.Lys1165Arg (NM_001114382.3); and 18 more; short protein forms K1102R, K1118R, K1122R, K1152R, K1164R, K1115R, K674R, K717R.
Identifiers: ClinVar variation 4842407 (VCV004842407.1).
Genomic context (GRCh38, chr16:2,080,261, plus strand): 5'-CGGCCTCCCAGTTCCTGGGCAGTGCCACTTCTCCAGGACCACGGACTGCACCAGCCGCGA[A>G]ACCTGAGAAGGCCTCAGCTGGCACCCGGGTTCCTGTGCAGGAGAAGACGAACCTGGCGGC-3'
Protein context (NP_000539.2, residues 1155-1175): SPGPRTAPAA[Lys1165Arg]PEKASAGTRV

ClinVar aggregate classification (germline): Uncertain significance (1 of 4 stars; one submission).

Conditions:
Hereditary cancer-predisposing syndrome. Also called: Neoplastic Syndromes, Hereditary; Tumor predisposition; Hereditary Cancer Syndrome; Hereditary neoplastic syndrome. Identifiers: Orphanet 140162, MedGen C0027672, MeSH D009386, MONDO:0015356.

Submission:

Ambry Genetics
Classification: Uncertain significance for Hereditary cancer-predisposing syndrome. Last evaluated: 2025-12-31. Review status: criteria provided, single submitter. Criteria: Ambry Variant Classification Scheme 2023. Collection method: clinical testing. Allele origin: germline.
Comment: The p.K1165R variant (also known as c.3494A>G), located in coding exon 29 of the TSC2 gene, results from an A to G substitution at nucleotide position 3494. The lysine at codon 1165 is replaced by arginine, an amino acid with highly similar properties. This amino acid position is not well conserved in available vertebrate species. In addition, this alteration is predicted to be tolerated by in silico analysis. Based on the available evidence, the clinical significance of this variant remains unclear.